The following is an entry in ClinVar:

NM_006231.4(POLE):c.3178C>G (p.Leu1060Val)

Gene: POLE (DNA polymerase epsilon, catalytic subunit; minus strand). Cytogenetic location: 12q24.33.
Variant type: single nucleotide variant.
Coding change: c.3178C>G on transcript NM_006231.4 (MANE Select); coding-DNA position 3178, C replaced by G.
Protein change: p.Leu1060Val; replaces leucine 1060 with valine.
Molecular consequence: missense variant.
Genome position (GRCh38, 1-based): chr12:132,659,392, G>C on the plus strand (C>G on the coding strand, the complement: POLE is on the minus strand). VCF-style: chr12-132659392-G-C. GRCh37 (hg19) VCF-style: chr12-133235978-G-C.
Other names: short protein forms L1060V.
Identifiers: ClinVar variation 4671440 (VCV004671440.1).

ClinVar aggregate classification (germline): Uncertain significance (1 of 4 stars; one submission).

Conditions:
Hereditary cancer-predisposing syndrome. Also called: Neoplastic Syndromes, Hereditary; Tumor predisposition; Hereditary Cancer Syndrome; Hereditary neoplastic syndrome. Identifiers: Orphanet 140162, MedGen C0027672, MeSH D009386, MONDO:0015356.

Submission:

Ambry Genetics
Classification: Uncertain significance for Hereditary cancer-predisposing syndrome. Last evaluated: 2025-09-17. Review status: criteria provided, single submitter. Criteria: Ambry Variant Classification Scheme 2023. Collection method: clinical testing. Allele origin: germline.
Comment: The p.L1060V variant (also known as c.3178C>G), located in coding exon 26 of the POLE gene, results from a C to G substitution at nucleotide position 3178. The leucine at codon 1060 is replaced by valine, an amino acid with highly similar properties. This amino acid position is conserved. In addition, this alteration is predicted to be tolerated by in silico analysis. Based on the available evidence, the clinical significance of this variant remains unclear.